The following is an entry in ClinVar:

NM_001174089.2(SLC4A11):c.1337G>A (p.Trp446Ter)

Gene: SLC4A11 (solute carrier family 4 member 11; minus strand). Cytogenetic location: 20p13.
Variant type: single nucleotide variant.
Coding change: c.1337G>A on transcript NM_001174089.2 (MANE Select); coding-DNA position 1337, G replaced by A.
Protein change: p.Trp446Ter; replaces tryptophan 446 with a stop codon.
Molecular consequence: nonsense. On other transcripts: non-coding transcript variant (3).
Genome position (GRCh38, 1-based): chr20:3,230,593, C>T on the plus strand (G>A on the coding strand, the complement: SLC4A11 is on the minus strand). VCF-style: chr20-3230593-C-T. GRCh37 (hg19) VCF-style: chr20-3211239-C-T.
Other names: c.1466G>A, p.Trp489Ter (NM_001174090.2); c.1223G>A, p.Trp408Ter (NM_001363745.2); c.1280G>A, p.Trp427Ter (NM_001400277.1, NM_001400278.1, NM_001400279.1); c.1352G>A, p.Trp451Ter (NM_001400280.1); c.1385G>A, p.Trp462Ter (NM_032034.4); short protein forms W408*, W427*, W446*, W451*, W462*, W489*.
Identifiers: ClinVar variation 3775379 (VCV003775379.1).

ClinVar aggregate classification (germline): Likely pathogenic (1 of 4 stars; one submission).

Conditions:
Congenital hereditary endothelial dystrophy of cornea. Also called: Congenital hereditary endothelial dystrophy type II; Congenital hereditary endothelial dystrophy of the cornea; Maumenee corneal dystrophy; CORNEAL DYSTROPHY, CONGENITAL HEREDITARY ENDOTHELIAL; Corneal endothelial dystrophy, autosomal recessive. Identifiers: Orphanet 293603, MedGen C1857569, MONDO:0009019, OMIM 217700.

Submission:

3billion
Classification: Likely pathogenic for Congenital hereditary endothelial dystrophy of cornea. Last evaluated: 2024-01-04. Review status: criteria provided, single submitter. Criteria: ACMG Guidelines, 2015. Collection method: clinical testing. Allele origin: germline. Affected: yes.
Comment: The variant is not observed in the gnomAD v2.1.1 dataset. Predicted Consequence/Location: Stop-gained (nonsense): predicted to result in a loss or disruption of normal protein function through nonsense-mediated decay (NMD) or protein truncation. Multiple pathogenic variants are reported downstream of the variant. Therefore, this variant is classified as Likely pathogenic according to the recommendation of ACMG/AMP guideline.